The following is an entry in ClinVar:

ClinVar aggregate classification (germline): Pathogenic. Review status: criteria provided, multiple submitters, no conflicts (2 of 4 stars). 3 submissions from 3 submitters: Pathogenic (3). Last evaluated 2023-04-20.

Conditions:
Hereditary cancer-predisposing syndrome. Also called: Neoplastic Syndromes, Hereditary; Tumor predisposition; Hereditary Cancer Syndrome; Hereditary neoplastic syndrome. Identifiers: Orphanet 140162, MedGen C0027672, MeSH D009386, MONDO:0015356.
Familial melanoma. Also called: Hereditary melanoma; Hereditary cutaneous melanoma. Identifiers: Orphanet 618, MedGen C1512419, MONDO:0018961.

Submissions (3):

Ambry Genetics
Classification: Pathogenic for Hereditary cancer-predisposing syndrome. Last evaluated: 2023-04-20. Review status: criteria provided, single submitter. Criteria: Ambry Variant Classification Scheme 2023. Collection method: clinical testing. Allele origin: germline.
Comment: The c.358delG pathogenic mutation, located in coding exon 2 of the CDKN2A gene, results from a deletion of one nucleotide at nucleotide position 358, causing a translational frameshift with a predicted alternate stop codon (p.E120Sfs*26). Frameshifts are typically deleterious in nature, however, this frameshift occurs at the 3' terminus of CDKN2A, is not expected to trigger nonsense-mediated mRNA decay, and impacts only the last 37 amino acids of the protein. The exact functional impact of these altered amino acids is unknown at this time. However, this alteration has been identified in multiple Spanish patients and families with cutaneous malignant melanoma and was shown to segregate with disease in four individuals in a family (Puig S et al. Hum. Genet., 1997 Dec;101:359-64; De Unamuno B et al. Melanoma Res., 2018 06;28:246-249; de Torre C et al. Exp. Dermatol., 2010 Aug;19:e333-5). In addition, this variant was not reported in population-based cohorts in the Genome Aggregation Database (gnomAD). Based on the supporting evidence, this alteration is interpreted as a disease-causing mutation.

Labcorp Genetics (formerly Invitae), Labcorp
Classification: Pathogenic for Familial melanoma. Last evaluated: 2022-06-14. Review status: criteria provided, single submitter. Criteria: Invitae Variant Classification Sherloc (09022015). Collection method: clinical testing. Allele origin: germline.
Comment: This premature translational stop signal has been observed in individual(s) with melanoma and other cancer types (PMID: 539244, 9439668, 10874641, 25780468, 26681309). It has also been observed to segregate with disease in related individuals. This sequence change creates a premature translational stop signal (p.Glu120Serfs*26) in the CDKN2A (p16INK4a) gene. While this is not anticipated to result in nonsense mediated decay, it is expected to disrupt the last 37 amino acid(s) of the CDKN2A (p16INK4a) protein. This variant is not present in population databases (gnomAD no frequency). ClinVar contains an entry for this variant (Variation ID: 406710). This variant disrupts the p.Val126 amino acid residue in CDKN2A (p16INK4a). Other variant(s) that disrupt this residue have been determined to be pathogenic (PMID: 7647780, 7987387, 8668202, 10389768, 11595726, 23371019). This suggests that this residue is clinically significant, and that variants that disrupt this residue are likely to be disease-causing. For these reasons, this variant has been classified as Pathogenic.

Color Diagnostics, LLC DBA Color Health
Classification: Pathogenic for Hereditary cancer-predisposing syndrome. Last evaluated: 2020-01-15. Review status: criteria provided, single submitter. Criteria: ACMG Guidelines, 2015. Collection method: clinical testing. Allele origin: germline.
Comment: This variant deletes 1 nucleotide in exon 2 of the CDKN2A gene, creating a frameshift and premature translation stop signal. This variant is expected to result in an absent or non-functional protein product. This variant has not been identified in the general population by the Genome Aggregation Database (gnomAD). Loss of CDKN2A function is a known mechanism of disease. Based on the available evidence, this variant is classified as Pathogenic.

Literature cited by the submitters: PubMed 10874641 (cited by Ambry Genetics and Labcorp Genetics (formerly Invitae), Labcorp); PubMed 20653773 (cited by Ambry Genetics); PubMed 29543703 (cited by Ambry Genetics); PubMed 9439668 (cited by Ambry Genetics and Labcorp Genetics (formerly Invitae), Labcorp); PubMed 539244 (cited by Labcorp Genetics (formerly Invitae), Labcorp); PubMed 25780468 (cited by Labcorp Genetics (formerly Invitae), Labcorp); PubMed 26681309 (cited by Labcorp Genetics (formerly Invitae), Labcorp); PubMed 7647780 (cited by Labcorp Genetics (formerly Invitae), Labcorp); PubMed 7987387 (cited by Labcorp Genetics (formerly Invitae), Labcorp); PubMed 8668202 (cited by Labcorp Genetics (formerly Invitae), Labcorp); PubMed 10389768 (cited by Labcorp Genetics (formerly Invitae), Labcorp); PubMed 11595726 (cited by Labcorp Genetics (formerly Invitae), Labcorp); PubMed 23371019 (cited by Labcorp Genetics (formerly Invitae), Labcorp).

NM_000077.5(CDKN2A):c.358del (p.Glu120fs)

Gene: CDKN2A (cyclin dependent kinase inhibitor 2A; minus strand). Cytogenetic location: 9p21.3.
Variant type: Deletion.
Coding change: c.358del on transcript NM_000077.5; coding-DNA position 358, one base deleted (G; older notation c.358delG).
Protein change: p.Glu120fs; shifts the reading frame from glutamic acid 120.
Molecular consequence: frameshift variant (on NM_000077.4). On other transcripts: 3 prime UTR variant (2).
Genome position (GRCh38, 1-based): chr9:21,971,001, C deleted on the plus strand (G on the coding strand, the reverse complement: CDKN2A is on the minus strand); the first of 2 consecutive C bases (chr9:21,971,001-21,971,002); deleting either gives the same sequence. VCF-style (leftmost placement, unchanged base first): chr9-21971000-TC-T. GRCh37 (hg19) VCF-style: chr9-21970999-TC-T.
Other names: c.357delG, p.Glu120Serfs (NM_000077.4, NM_000077.6); c.358del, p.Glu120fs (NM_001195132.2); c.205del, p.Glu69fs (NM_001363763.2); c.*2del (NM_058195.4); c.*281del (NM_058197.5); c.358delG (NM_000077.4); short protein forms E120fs, E69fs.
Identifiers: ClinVar variation 406710 (VCV000406710.15), dbSNP rs1060501263, ClinGen allele CA16612781.